The following is an entry in ClinVar:

NM_000540.3(RYR1):c.8198G>C (p.Gly2733Ala)

Gene: RYR1 (ryanodine receptor 1; plus strand). Cytogenetic location: 19q13.2.
Variant type: single nucleotide variant.
Coding change: c.8198G>C on transcript NM_000540.3 (MANE Select); coding-DNA position 8198, G replaced by C.
Protein change: p.Gly2733Ala; replaces glycine 2733 with alanine.
Molecular consequence: missense variant.
Genome position (GRCh38, 1-based): chr19:38,504,878, G>C. VCF-style: chr19-38504878-G-C. GRCh37 (hg19) VCF-style: chr19-38995518-G-C.
Other names: c.8198G>C, p.Gly2733Ala (NM_001042723.2); short protein forms G2733A.
Identifiers: ClinVar variation 1058964 (VCV001058964.9), dbSNP rs193922828, ClinGen allele CA405676929.
Genomic context (GRCh38, chr19:38,504,878, plus strand): 5'-ACTATGTGGATGCCTCATACTCATCTAAGGCAGAGAAAAAGGCCACAGTGGATGCTGAAG[G>C]CAACTTTGATCCCCGGCCTGTGGAGACCCTCAAGTGAGGCCTGGGGGCTGGGAGACAGAG-3'
Protein context (NP_000531.2, residues 2723-2743): AEKKATVDAE[Gly2733Ala]NFDPRPVETL

ClinVar aggregate classification (germline): Uncertain significance (1 of 4 stars; one submission).

Conditions:
RYR1-related disorder. Also called: RYR1-related condition; RYR1-related disorders. Identifiers: MedGen CN239331.

Submission:

Labcorp Genetics (formerly Invitae), Labcorp
Classification: Uncertain significance for RYR1-related disorder. Last evaluated: 2020-10-15. Review status: criteria provided, single submitter. Criteria: Invitae Variant Classification Sherloc (09022015). Collection method: clinical testing. Allele origin: germline.
Comment: This sequence change replaces glycine with alanine at codon 2733 of the RYR1 protein (p.Gly2733Ala). The glycine residue is highly conserved and there is a small physicochemical difference between glycine and alanine. In summary, the available evidence is currently insufficient to determine the role of this variant in disease. Therefore, it has been classified as a Variant of Uncertain Significance. Advanced modeling of protein sequence and biophysical properties (such as structural, functional, and spatial information, amino acid conservation, physicochemical variation, residue mobility, and thermodynamic stability) performed at Invitae indicates that this missense variant is expected to disrupt RYR1 protein function. This variant has not been reported in the literature in individuals with RYR1-related conditions. This variant is not present in population databases (ExAC no frequency).